The following continues an entry in ClinVar:

NM_002834.5(PTPN11):c.1282G>A (p.Val428Met)

Gene: PTPN11. ClinVar aggregate classification (germline): Conflicting classifications of pathogenicity. Pathogenic (3); Likely pathogenic (7); Uncertain significance (4).

Submissions 10 to 16 of 16:

Institute for Genomic Medicine (IGM) Clinical Laboratory, Nationwide Children's Hospital
Classification: Uncertain significance for Noonan syndrome 1. Last evaluated: 2024-06-07. Review status: criteria provided, single submitter. Criteria: ACMG Guidelines, 2015. Collection method: clinical testing. Allele origin: germline.
Comment: A different substitution at this amino acid position has been reported as pathogenic (ACMG/AMP: PM5; PMID:24451042). This variant occurs in a gene with a low rate of benign missense variation, in which missense alterations are a common mechanism of disease (ACMG/AMP: PP2). This variant is predicted to alter protein function or structure, or disrupt splicing by multiple in silico tools (ACMG/AMP: PP3).

Blueprint Genetics
Classification: Uncertain significance. Last evaluated: 2023-08-03. Review status: criteria provided, single submitter. Criteria: ACMG Guidelines, 2015. Collection method: clinical testing. Allele origin: germline.

St. Jude Molecular Pathology, St. Jude Children's Research Hospital
Classification: Likely pathogenic for Noonan syndrome 1. Last evaluated: 2023-07-19. Review status: criteria provided, single submitter. Criteria: St. Jude Assertion Criteria 2020. Collection method: clinical testing. Allele origin: germline.
Comment: The PTPN11 c.1282G>A (p.Val428Met) missense change has a maximum founder subpopulation frequency of 0.0039% and a maximum non-founder subpopulation frequency of 0.00070% in gnomAD v2.1.1. This variant has been reported in multiple individuals with characteristic features of Noonan syndrome and/or Noonan syndrome with multiple lentigines (PMID: 34136434, personal correspondence). The variant was apparently de novo in two cases and found to segregate with disease in multiple affected individuals in one family. Another missense variant at the same amino acid residue, p.Val428Leu, has also been reported in an individual with Noonan syndrome (PMID: 24451042). This variant occurs in a gene where missense variants are a common mechanism of disease. The in silico tool REVEL predicts a deleterious effect on protein function, but to our knowledge this prediction has not been confirmed by functional studies. In summary, this variant meets criteria to be classified as likely pathogenic.

Institute of Medical Genetics and Applied Genomics, University Hospital Tübingen
Classification: Likely pathogenic for Noonan syndrome 1. Last evaluated: 2021-10-04. Review status: criteria provided, single submitter. Criteria: ACMG Guidelines, 2015. Collection method: clinical testing. Allele origin: germline. Inheritance: Autosomal dominant inheritance. Affected: yes.

Juno Genomics, Hangzhou Juno Genomics, Inc
Classification: Likely pathogenic for Noonan syndrome 1. Review status: criteria provided, single submitter. Criteria: ACMG Guidelines, 2015. Collection method: clinical testing. Allele origin: germline. Affected: yes.
Comment: Multiple lines of computational evidence support a deleterious effect on the gene or gene product.;Missense variant in a gene that has a low rate of benign missense variation.;De novo (both maternity and paternity confirmed) in a patient with the disease and no family history.;The prevalence of the variant in affected individuals is significantly increased compared to the prevalence in controls.;Novel missense change at an amino acid residue where a different missense change determined to be pathogenic has been seen before.

Molecular Diagnostic Laboratory for Inherited Cardiovascular Disease, Montreal Heart Institute
Classification: Uncertain significance for Cardiovascular phenotype. Last evaluated: 2025-04-09. Review status: flagged submission. Criteria: ACMG Guidelines, 2015. Collection method: clinical testing. Allele origin: germline. Affected: yes. Not counted in ClinVar's aggregate classification.
ClinVar note: Reason: Outlier claim with insufficient supporting evidence

Genetic Services Laboratory, University of Chicago
Classification: Uncertain significance. Last evaluated: 2019-07-29. Review status: flagged submission. Criteria: ACMG Guidelines, 2015. Collection method: clinical testing. Allele origin: germline. Affected: no. Not counted in ClinVar's aggregate classification.
ClinVar note: Reason: Outlier claim with insufficient supporting evidence

Literature cited by the submitters: PubMed 33726816 (cited by 3 submitters); PubMed 34136434 (cited by 3 submitters); PubMed 40127276 (cited by Women's Health and Genetics/Laboratory Corporation of America, LabCorp and Genome Diagnostics Laboratory, The Hospital for Sick Children); PubMed 36566878 (cited by Genome Diagnostics Laboratory, The Hospital for Sick Children); PubMed 24451042 (cited by 3 submitters); PubMed 39891531 (cited by Genome Diagnostics Laboratory, The Hospital for Sick Children).